The following is an entry in ClinVar:

NM_001844.5(COL2A1):c.4444G>A (p.Gly1482Arg)

Gene: COL2A1 (collagen type II alpha 1 chain; minus strand). Cytogenetic location: 12q13.11.
Variant type: single nucleotide variant.
Coding change: c.4444G>A on transcript NM_001844.5 (MANE Select); coding-DNA position 4444, G replaced by A.
Protein change: p.Gly1482Arg; replaces glycine 1482 with arginine.
Molecular consequence: missense variant.
Genome position (GRCh38, 1-based): chr12:47,973,427, C>T on the plus strand (G>A on the coding strand, the complement: COL2A1 is on the minus strand). VCF-style: chr12-47973427-C-T. GRCh37 (hg19) VCF-style: chr12-48367210-C-T.
Other names: c.4444G>A (NM_001844.4); c.4237G>A, p.Gly1413Arg (NM_033150.3); short protein forms G1413R, G1482R.
Identifiers: ClinVar variation 1381095 (VCV001381095.7), dbSNP rs2136501711, ClinGen allele CA384533107.

ClinVar aggregate classification (germline): Uncertain significance. Review status: criteria provided, multiple submitters, no conflicts (2 of 4 stars). 2 submissions from 2 submitters: Uncertain significance (2). Last evaluated 2023-05-26.

Conditions:
Inborn genetic diseases. Identifiers: MedGen C0950123, MeSH D030342.

Submissions (2):

Ambry Genetics
Classification: Uncertain significance for Inborn genetic diseases. Last evaluated: 2023-05-26. Review status: criteria provided, single submitter. Criteria: Ambry Variant Classification Scheme 2023. Collection method: clinical testing. Allele origin: germline.

Labcorp Genetics (formerly Invitae), Labcorp
Classification: Uncertain significance. Last evaluated: 2023-05-18. Review status: criteria provided, single submitter. Criteria: Invitae Variant Classification Sherloc (09022015). Collection method: clinical testing. Allele origin: germline.
Comment: This variant is not present in population databases (gnomAD no frequency). This sequence change replaces glycine, which is neutral and non-polar, with arginine, which is basic and polar, at codon 1482 of the COL2A1 protein (p.Gly1482Arg). Advanced modeling of protein sequence and biophysical properties (such as structural, functional, and spatial information, amino acid conservation, physicochemical variation, residue mobility, and thermodynamic stability) performed at Invitae indicates that this missense variant is expected to disrupt COL2A1 protein function. In summary, the available evidence is currently insufficient to determine the role of this variant in disease. Therefore, it has been classified as a Variant of Uncertain Significance. This variant has not been reported in the literature in individuals affected with COL2A1-related conditions. ClinVar contains an entry for this variant (Variation ID: 1381095).